The following is an entry in ClinVar:

NM_024700.4(SNIP1):c.1158T>G (p.Asp386Glu)

Gene: SNIP1 (Smad nuclear interacting protein 1; minus strand). Cytogenetic location: 1p34.3.
Variant type: single nucleotide variant.
Coding change: c.1158T>G on transcript NM_024700.4 (MANE Select); coding-DNA position 1158, T replaced by G.
Protein change: p.Asp386Glu; replaces aspartic acid 386 with glutamic acid.
Molecular consequence: missense variant.
Genome position (GRCh38, 1-based): chr1:37,537,781, A>C on the plus strand (T>G on the coding strand, the complement: SNIP1 is on the minus strand). VCF-style: chr1-37537781-A-C. GRCh37 (hg19) VCF-style: chr1-38003382-A-C.
Other names: c.1158T>G (NM_024700.2); short protein forms D386E.
Identifiers: ClinVar variation 252743 (VCV000252743.8), dbSNP rs368368736, ClinGen allele CA771207.

ClinVar aggregate classification (germline): Uncertain significance. Review status: criteria provided, multiple submitters, no conflicts (2 of 4 stars). 3 submissions from 3 submitters: Uncertain significance (3). Last evaluated 2025-08-31.

Allele frequency attached by ClinVar (database versions not stated): ESP Exome Variant Server 0.00008; gnomAD exomes 0.00013 and 0.00028; gnomAD 0.00020; TOPMed 0.00020; ExAC 0.00025.
gnomAD v4.1: 225 of 1,614,014 alleles (0.014%); highest among the groups gnomAD compares: Middle Eastern, 0.099%; 1 homozygote.

Submissions (3):

Labcorp Genetics (formerly Invitae), Labcorp
Classification: Uncertain significance. Last evaluated: 2025-08-31. Review status: criteria provided, single submitter. Criteria: Invitae Variant Classification Sherloc (09022015). Collection method: clinical testing. Allele origin: germline.
Comment: This sequence change replaces aspartic acid, which is acidic and polar, with glutamic acid, which is acidic and polar, at codon 386 of the SNIP1 protein (p.Asp386Glu). This variant is present in population databases (rs368368736, gnomAD 0.1%), and has an allele count higher than expected for a pathogenic variant. This variant has not been reported in the literature in individuals affected with SNIP1-related conditions. ClinVar contains an entry for this variant (Variation ID: 252743). An algorithm developed to predict the effect of missense changes on protein structure and function outputs the following: PolyPhen-2: "Benign". The glutamic acid amino acid residue is found in multiple mammalian species, which suggests that this missense change does not adversely affect protein function. In summary, the available evidence is currently insufficient to determine the role of this variant in disease. Therefore, it has been classified as a Variant of Uncertain Significance.

Ambry Genetics
Classification: Uncertain significance. Last evaluated: 2024-05-06. Review status: criteria provided, single submitter. Criteria: Ambry Variant Classification Scheme 2023. Collection method: clinical testing. Allele origin: germline.

Genomic Diagnostic Laboratory, Division of Genomic Diagnostics, Children's Hospital of Philadelphia
Classification: Uncertain significance. Last evaluated: 2015-07-30. Review status: criteria provided, single submitter. Criteria: DGD Variant Analysis Guidelines. Collection method: clinical testing. Allele origin: unknown.